The following is an entry in ClinVar:

NM_018124.4(RFWD3):c.139C>G (p.Gln47Glu)

Gene: RFWD3 (ring finger and WD repeat domain 3; minus strand). Cytogenetic location: 16q23.1.
Variant type: single nucleotide variant.
Coding change: c.139C>G on transcript NM_018124.4 (MANE Select); coding-DNA position 139, C replaced by G.
Protein change: p.Gln47Glu; replaces glutamine 47 with glutamic acid.
Molecular consequence: missense variant. On other transcripts: 5 prime UTR variant (4), intron variant (1).
Genome position (GRCh38, 1-based): chr16:74,661,311, G>C on the plus strand (C>G on the coding strand, the complement: RFWD3 is on the minus strand). VCF-style: chr16-74661311-G-C. GRCh37 (hg19) VCF-style: chr16-74695209-G-C.
Other names: c.139C>G, p.Gln47Glu (NM_001370535.1, NM_001370536.1, NM_001370534.1); c.-870C>G (NM_001370537.1); c.-493C>G (NM_001370539.1); c.-747C>G (NM_001370542.1); c.-625C>G (NM_001370543.1); c.-317+3313C>G (NM_001370540.1); short protein forms Q47E.
Identifiers: ClinVar variation 3620289 (VCV003620289.2).

ClinVar aggregate classification (germline): Uncertain significance (1 of 4 stars; one submission).

gnomAD v4.1: 3 of 1,614,090 alleles (0.00019%); highest among the groups gnomAD compares: Admixed American, 0.005%; no homozygotes.

Submission:

Labcorp Genetics (formerly Invitae), Labcorp
Classification: Uncertain significance. Last evaluated: 2024-04-02. Review status: criteria provided, single submitter. Criteria: Invitae Variant Classification Sherloc (09022015). Collection method: clinical testing. Allele origin: germline.
Comment: This sequence change replaces glutamine, which is neutral and polar, with glutamic acid, which is acidic and polar, at codon 47 of the RFWD3 protein (p.Gln47Glu). This variant is present in population databases (rs150151715, gnomAD 0.009%). This variant has not been reported in the literature in individuals affected with RFWD3-related conditions. An algorithm developed to predict the effect of missense changes on protein structure and function (PolyPhen-2) suggests that this variant is likely to be tolerated. In summary, the available evidence is currently insufficient to determine the role of this variant in disease. Therefore, it has been classified as a Variant of Uncertain Significance.